The following is an entry in ClinVar:

ClinVar aggregate classification (germline): Uncertain significance (1 of 4 stars; one submission).

Conditions:
Hereditary cancer-predisposing syndrome. Also called: Neoplastic Syndromes, Hereditary; Hereditary Cancer Syndrome; Tumor predisposition; Hereditary neoplastic syndrome. Identifiers: Orphanet 140162, MedGen C0027672, MeSH D009386, MONDO:0015356.

Submission:

Ambry Genetics
Classification: Uncertain significance for Hereditary cancer-predisposing syndrome. Last evaluated: 2023-01-19. Review status: criteria provided, single submitter. Criteria: Ambry Variant Classification Scheme 2023. Collection method: clinical testing. Allele origin: germline.
Comment: The p.T920A variant (also known as c.2758A>G), located in coding exon 24 of the POLE gene, results from an A to G substitution at nucleotide position 2758. The threonine at codon 920 is replaced by alanine, an amino acid with similar properties. This amino acid position is conserved. In addition, this alteration is predicted to be tolerated by in silico analysis. Since supporting evidence is limited at this time, the clinical significance of this alteration remains unclear.

NM_006231.4(POLE):c.2758A>G (p.Thr920Ala)

Gene: POLE (DNA polymerase epsilon, catalytic subunit; minus strand). Cytogenetic location: 12q24.33.
Variant type: single nucleotide variant.
Coding change: c.2758A>G on transcript NM_006231.4 (MANE Select); coding-DNA position 2758, A replaced by G.
Protein change: p.Thr920Ala; replaces threonine 920 with alanine.
Molecular consequence: missense variant.
Genome position (GRCh38, 1-based): chr12:132,661,633, T>C on the plus strand (A>G on the coding strand, the complement: POLE is on the minus strand). VCF-style: chr12-132661633-T-C. GRCh37 (hg19) VCF-style: chr12-133238219-T-C.
Other names: short protein forms T920A.
Identifiers: ClinVar variation 2447936 (VCV002447936.2), dbSNP rs2135949154, ClinGen allele CA387393899.